The following is an entry in ClinVar:

ClinVar aggregate classification (germline): Uncertain significance. Review status: criteria provided, multiple submitters, no conflicts (2 of 4 stars). 3 submissions from 3 submitters: Uncertain significance (3). Last evaluated 2025-12-03.

Conditions:
Autosomal recessive limb-girdle muscular dystrophy type 2Q (LGMDR17). Also called: MUSCULAR DYSTROPHY, LIMB-GIRDLE, AUTOSOMAL RECESSIVE 17. Identifiers: Orphanet 254361, MedGen C3150989, MONDO:0013390, OMIM 613723.
Epidermolysis bullosa simplex 5B, with muscular dystrophy (EBS5B). Also called: EPIDERMOLYSIS BULLOSA SIMPLEX AND LIMB-GIRDLE MUSCULAR DYSTROPHY; Epidermolysis bullosa simplex with muscular dystrophy. Identifiers: Orphanet 257, MedGen C2931072, MONDO:0009181, OMIM 226670.
Epidermolysis bullosa simplex, Ogna type (EBS5A). Also called: Pidermolysis bullosa simplex 5A, Ogna type; EPIDERMOLYSIS BULLOSA SIMPLEX 5A, OGNA TYPE. Identifiers: Orphanet 79401, MedGen C0432317, MONDO:0007555, OMIM 131950.
Epidermolysis bullosa simplex 5C, with pyloric atresia (EBS5C). Also called: PLEC-Related Epidermolysis Bullosa with Pyloric Atresia; Epidermolysis bullosa simplex with pyloric atresia; PLEC1-Related Epidermolysis Bullosa with Pyloric Atresia. Identifiers: Orphanet 158684, MedGen C2677349, MONDO:0012807, OMIM 612138.
Epidermolysis bullosa simplex with nail dystrophy (EBS5D). Identifiers: MedGen C4225309, MONDO:0014661, OMIM 616487.
Inborn genetic diseases. Identifiers: MedGen C0950123, MeSH D030342.

Allele frequency attached by ClinVar (database versions not stated): TOPMed 0.00001; gnomAD exomes 0.00002 and 0.00003; ExAC 0.00004; 1000 Genomes Project 30x 0.00016.

Submissions (3):

Labcorp Genetics (formerly Invitae), Labcorp
Classification: Uncertain significance for Autosomal recessive limb-girdle muscular dystrophy type 2Q; Epidermolysis bullosa simplex, Ogna type; Epidermolysis bullosa simplex with nail dystrophy; Epidermolysis bullosa simplex 5C, with pyloric atresia; Epidermolysis bullosa simplex 5B, with muscular dystrophy. Last evaluated: 2025-12-03. Review status: criteria provided, single submitter. Criteria: Invitae Variant Classification Sherloc (09022015). Collection method: clinical testing. Allele origin: germline.
Comment: This sequence change replaces serine, which is neutral and polar, with leucine, which is neutral and non-polar, at codon 2147 of the PLEC protein (p.Ser2147Leu). This variant is present in population databases (rs782430297, gnomAD 0.01%). This variant has not been reported in the literature in individuals affected with PLEC-related conditions. ClinVar contains an entry for this variant (Variation ID: 573976). An algorithm developed to predict the effect of missense changes on protein structure and function outputs the following: PolyPhen-2: "Benign". The leucine amino acid residue is found in multiple mammalian species, which suggests that this missense change does not adversely affect protein function. In summary, the available evidence is currently insufficient to determine the role of this variant in disease. Therefore, it has been classified as a Variant of Uncertain Significance.

Ambry Genetics
Classification: Uncertain significance for Inborn genetic diseases. Last evaluated: 2022-01-04. Review status: criteria provided, single submitter. Criteria: Ambry Variant Classification Scheme 2023. Collection method: clinical testing. Allele origin: germline.

CeGaT Center for Human Genetics Tuebingen
Classification: Uncertain significance. Last evaluated: 2017-07-01. Review status: criteria provided, single submitter. Criteria: CeGaT Center For Human Genetics Tuebingen Variant Classification Criteria Version 2. Collection method: clinical testing. Allele origin: germline. Affected: yes. Observed: 1 variant allele.

NM_201384.3(PLEC):c.6359C>T (p.Ser2120Leu)

Gene: PLEC (plectin; minus strand). Cytogenetic location: 8q24.3.
Variant type: single nucleotide variant.
Coding change: c.6359C>T on transcript NM_201384.3 (MANE Select); coding-DNA position 6359, C replaced by T.
Protein change: p.Ser2120Leu; replaces serine 2120 with leucine.
Molecular consequence: missense variant.
Genome position (GRCh38, 1-based): chr8:143,923,570, G>A on the plus strand (C>T on the coding strand, the complement: PLEC is on the minus strand). VCF-style: chr8-143923570-G-A. GRCh37 (hg19) VCF-style: chr8-144997738-G-A.
Other names: c.6440C>T, p.Ser2147Leu (NM_000445.5); c.6317C>T, p.Ser2106Leu (NM_201378.4); c.6293C>T, p.Ser2098Leu (NM_201379.3); c.6770C>T, p.Ser2257Leu (NM_201380.4); c.6263C>T, p.Ser2088Leu (NM_201381.3); c.6359C>T, p.Ser2120Leu (NM_201382.4); c.6371C>T, p.Ser2124Leu (NM_201383.3); c.6440C>T (NM_000445.3); short protein forms S2098L, S2106L, S2120L, S2124L, S2088L, S2147L, S2257L.
Identifiers: ClinVar variation 573976 (VCV000573976.48), dbSNP rs782430297, ClinGen allele CA4926025.